The following is an entry in ClinVar:

NM_007078.3(LDB3):c.937A>G (p.Thr313Ala)

Gene: LDB3 (LIM domain binding 3; plus strand). Cytogenetic location: 10q23.2.
Variant type: single nucleotide variant.
Coding change: c.937A>G on transcript NM_007078.3 (MANE Select); coding-DNA position 937, A replaced by G.
Protein change: p.Thr313Ala; replaces threonine 313 with alanine.
Molecular consequence: missense variant. On other transcripts: intron variant (4).
Genome position (GRCh38, 1-based): chr10:86,706,571, A>G. VCF-style: chr10-86706571-A-G. GRCh37 (hg19) VCF-style: chr10-88466328-A-G.
Other names: c.796A>G, p.Thr266Ala (NM_001368066.1); c.897-3334A>G (NM_001368064.1, NM_001368065.1); c.1101-3334A>G (NM_001171610.2); c.756-3334A>G (NM_001080114.2); short protein forms T266A, T313A.
Identifiers: ClinVar variation 2192884 (VCV002192884.4), dbSNP rs1310203563, ClinGen allele CA377446605.

ClinVar aggregate classification (germline): Uncertain significance (1 of 4 stars; one submission).

Conditions:
Myofibrillar myopathy 4. Also called: Zaspopathy (type). Identifiers: Orphanet 98912, MedGen C4721886, MONDO:0012277, OMIM 609452.

Allele frequency attached by ClinVar (database versions not stated): gnomAD exomes 0.00001.
gnomAD v4.1: 12 of 1,613,034 alleles (0.00074%); highest among the groups gnomAD compares: Non-Finnish European, 0.001%; no homozygotes.

Submission:

Labcorp Genetics (formerly Invitae), Labcorp
Classification: Uncertain significance for Myofibrillar myopathy 4. Last evaluated: 2022-07-15. Review status: criteria provided, single submitter. Criteria: Invitae Variant Classification Sherloc (09022015). Collection method: clinical testing. Allele origin: germline.
Comment: In summary, the available evidence is currently insufficient to determine the role of this variant in disease. Therefore, it has been classified as a Variant of Uncertain Significance. Experimental studies and prediction algorithms are not available or were not evaluated, and the functional significance of this variant is currently unknown. The LDB3 gene has multiple clinically relevant transcripts. This variant occurs in alternate transcript NM_007078.3, and corresponds to NM_001080116.1:c.*7197A>G in the primary transcript. This sequence change replaces threonine, which is neutral and polar, with alanine, which is neutral and non-polar, at codon 313 of the LDB3 protein (p.Thr313Ala). This variant is present in population databases (no rsID available, gnomAD 0.003%). This variant has not been reported in the literature in individuals affected with LDB3-related conditions.